The following is an entry in ClinVar:

NM_005733.3(KIF20A):c.856C>A (p.Pro286Thr)

Gene: KIF20A (kinesin family member 20A; plus strand). Cytogenetic location: 5q31.2.
Variant type: single nucleotide variant.
Coding change: c.856C>A on transcript NM_005733.3 (MANE Select); coding-DNA position 856, C replaced by A.
Protein change: p.Pro286Thr; replaces proline 286 with threonine.
Molecular consequence: missense variant.
Genome position (GRCh38, 1-based): chr5:138,183,192, C>A. VCF-style: chr5-138183192-C-A. GRCh37 (hg19) VCF-style: chr5-137518881-C-A.
Other names: short protein forms P286T.
Identifiers: ClinVar variation 2013194 (VCV002013194.4), dbSNP rs2482180893, ClinGen allele CA361114375.

ClinVar aggregate classification (germline): Uncertain significance (1 of 4 stars; one submission).

Submission:

Labcorp Genetics (formerly Invitae), Labcorp
Classification: Uncertain significance. Last evaluated: 2022-07-02. Review status: criteria provided, single submitter. Criteria: Invitae Variant Classification Sherloc (09022015). Collection method: clinical testing. Allele origin: germline.
Comment: This variant is not present in population databases (gnomAD no frequency). This sequence change replaces proline, which is neutral and non-polar, with threonine, which is neutral and polar, at codon 286 of the KIF20A protein (p.Pro286Thr). This variant has not been reported in the literature in individuals affected with KIF20A-related conditions. In summary, the available evidence is currently insufficient to determine the role of this variant in disease. Therefore, it has been classified as a Variant of Uncertain Significance. Algorithms developed to predict the effect of missense changes on protein structure and function are either unavailable or do not agree on the potential impact of this missense change (SIFT: "Deleterious"; PolyPhen-2: "Benign"; Align-GVGD: "Class C35").